The following is an entry in ClinVar:

ClinVar aggregate classification (germline): Uncertain significance. Review status: criteria provided, multiple submitters, no conflicts (2 of 4 stars). 2 submissions from 2 submitters: Uncertain significance (2). Last evaluated 2024-12-16.

Conditions:
Cardiovascular phenotype. Identifiers: MedGen CN230736.
Hereditary cancer-predisposing syndrome. Also called: Tumor predisposition; Hereditary Cancer Syndrome; Neoplastic Syndromes, Hereditary; Hereditary neoplastic syndrome. Identifiers: Orphanet 140162, MedGen C0027672, MeSH D009386, MONDO:0015356.
Neurofibromatosis, type 1 (NF1). Also called: NEUROFIBROMATOSIS, TYPE I, SOMATIC; Neurofibromatosis, type I; Peripheral type neurofibromatosis; VON RECKLINGHAUSEN DISEASE. Identifiers: Orphanet 636, MedGen C0027831, MONDO:0018975, OMIM 162200. Disease mechanism: loss of function.

Submissions (2):

Ambry Genetics
Classification: Uncertain significance for Cardiovascular phenotype; Hereditary cancer-predisposing syndrome. Last evaluated: 2024-12-16. Review status: criteria provided, single submitter. Criteria: Ambry Variant Classification Scheme 2023. Collection method: clinical testing. Allele origin: germline.
Comment: The p.V2450A variant (also known as c.7349T>C), located in coding exon 49 of the NF1 gene, results from a T to C substitution at nucleotide position 7349. The valine at codon 2450 is replaced by alanine, an amino acid with similar properties. This amino acid position is conserved. In addition, this alteration is predicted to be tolerated by in silico analysis. Based on the available evidence, the clinical significance of this variant remains unclear.

Labcorp Genetics (formerly Invitae), Labcorp
Classification: Uncertain significance for Neurofibromatosis, type 1. Last evaluated: 2022-05-11. Review status: criteria provided, single submitter. Criteria: Invitae Variant Classification Sherloc (09022015). Collection method: clinical testing. Allele origin: germline.
Comment: In summary, the available evidence is currently insufficient to determine the role of this variant in disease. Therefore, it has been classified as a Variant of Uncertain Significance. Advanced modeling of protein sequence and biophysical properties (such as structural, functional, and spatial information, amino acid conservation, physicochemical variation, residue mobility, and thermodynamic stability) performed at Invitae indicates that this missense variant is not expected to disrupt NF1 protein function. This variant has not been reported in the literature in individuals affected with NF1-related conditions. This variant is not present in population databases (gnomAD no frequency). This sequence change replaces valine, which is neutral and non-polar, with alanine, which is neutral and non-polar, at codon 2450 of the NF1 protein (p.Val2450Ala).

NM_001042492.3(NF1):c.7412T>C (p.Val2471Ala)

Gene: NF1 (neurofibromin 1; plus strand). Cytogenetic location: 17q11.2.
Variant type: single nucleotide variant.
Coding change: c.7412T>C on transcript NM_001042492.3 (MANE Select); coding-DNA position 7412, T replaced by C.
Protein change: p.Val2471Ala; replaces valine 2471 with alanine.
Molecular consequence: missense variant.
Genome position (GRCh38, 1-based): chr17:31,350,273, T>C. VCF-style: chr17-31350273-T-C. GRCh37 (hg19) VCF-style: chr17-29677291-T-C.
Other names: c.7349T>C, p.Val2450Ala (NM_000267.4); short protein forms V2471A, V2450A.
Identifiers: ClinVar variation 2120813 (VCV002120813.5), dbSNP rs2151574516, ClinGen allele CA399017135.
Genomic context (GRCh38, chr17:31,350,273, plus strand): 5'-GTCGCTGCAGCCTAAAACATAGAAAGTCACTTCTTCTTACTGATATTTCAATGGAAAATG[T>C]TCCTATGGATACATATCCCATTCATCATGGTGACCCTTCCTATAGGTAAGTGGATTTACT-3'
Protein context (NP_001035957.1, residues 2461-2481): LLLTDISMEN[Val2471Ala]PMDTYPIHHG